The following is an entry in ClinVar:

NM_001605.3(AARS1):c.815A>C (p.Lys272Thr)

Gene: AARS1 (alanyl-tRNA synthetase 1; minus strand). Cytogenetic location: 16q22.1.
Variant type: single nucleotide variant.
Coding change: c.815A>C on transcript NM_001605.3 (MANE Select); coding-DNA position 815, A replaced by C.
Protein change: p.Lys272Thr; replaces lysine 272 with threonine.
Molecular consequence: missense variant.
Genome position (GRCh38, 1-based): chr16:70,270,197, T>G on the plus strand (A>C on the coding strand, the complement: AARS1 is on the minus strand). VCF-style: chr16-70270197-T-G. GRCh37 (hg19) VCF-style: chr16-70304100-T-G.
Other names: short protein forms K272T.
Identifiers: ClinVar variation 2000639 (VCV002000639.4), dbSNP rs2507017736, ClinGen allele CA396565064.

ClinVar aggregate classification (germline): Uncertain significance (1 of 4 stars; one submission).

Conditions:
Charcot-Marie-Tooth disease type 2. Also called: Charcot-Marie-Tooth type 2. Identifiers: Orphanet 64746, MedGen C0270914, MONDO:0018993.

Submission:

Labcorp Genetics (formerly Invitae), Labcorp
Classification: Uncertain significance for Charcot-Marie-Tooth disease type 2. Last evaluated: 2022-05-29. Review status: criteria provided, single submitter. Criteria: Invitae Variant Classification Sherloc (09022015). Collection method: clinical testing. Allele origin: germline.
Comment: In summary, the available evidence is currently insufficient to determine the role of this variant in disease. Therefore, it has been classified as a Variant of Uncertain Significance. This sequence change replaces lysine, which is basic and polar, with threonine, which is neutral and polar, at codon 272 of the AARS protein (p.Lys272Thr). This variant is not present in population databases (gnomAD no frequency). This variant has not been reported in the literature in individuals affected with AARS-related conditions. Algorithms developed to predict the effect of missense changes on protein structure and function are either unavailable or do not agree on the potential impact of this missense change (SIFT: "Tolerated"; PolyPhen-2: "Possibly Damaging"; Align-GVGD: "Class C0"). Algorithms developed to predict the effect of sequence changes on RNA splicing suggest that this variant may disrupt the consensus splice site.